The following is an entry in ClinVar:

ClinVar aggregate classification (germline): Likely benign (0 of 4 stars; one submission).

Conditions:
MKS1-related disorder. Also called: MKS1-related condition; MKS1-related disorders. Identifiers: MedGen CN239382.

Submission:

PreventionGenetics, part of Exact Sciences
Classification: Likely benign for MKS1-related condition. Last evaluated: 2022-02-08. Review status: no assertion criteria provided. Collection method: clinical testing. Allele origin: germline.
Comment: This variant is classified as likely benign based on ACMG/AMP sequence variant interpretation guidelines (Richards et al. 2015 PMID: 25741868, with internal and published modifications).

NM_017777.4(MKS1):c.12C>A (p.Thr4=)

Genes: MKS1 (MKS transition zone complex subunit 1; minus strand), LOC130061271 (ATAC-STARR-seq lymphoblastoid active region 12461; plus strand). Cytogenetic location: 17q22.
Variant type: single nucleotide variant.
Coding change: c.12C>A on transcript NM_017777.4 (MANE Select); coding-DNA position 12, C replaced by A.
Protein change: p.Thr4=; no amino-acid change (threonine 4 retained).
Molecular consequence: synonymous variant. On other transcripts: 5 prime UTR variant (1).
Genome position (GRCh38, 1-based): chr17:58,219,219, G>T on the plus strand (C>A on the coding strand, the complement: MKS1 is on the minus strand). VCF-style: chr17-58219219-G-T. GRCh37 (hg19) VCF-style: chr17-56296580-G-T.
Other names: c.-500C>A (NM_001321268.2); c.12C>A, p.Thr4= (NM_001321269.2, NM_001330397.2, NM_001411113.1).
Identifiers: ClinVar variation 3354372 (VCV003354372.1).